The following is an entry in ClinVar:

ClinVar aggregate classification (germline): Uncertain significance. Review status: criteria provided, multiple submitters, no conflicts (2 of 4 stars). 2 submissions from 2 submitters: Uncertain significance (2). Last evaluated 2025-11-26.

Conditions:
Inborn genetic diseases. Identifiers: MedGen C0950123, MeSH D030342.

gnomAD v4.1: 1 of 1,613,008 alleles (0.000062%); highest among the groups gnomAD compares: African/African-American, 0.0013%; no homozygotes.

Submissions (2):

Ambry Genetics
Classification: Uncertain significance for Inborn genetic diseases. Last evaluated: 2025-11-26. Review status: criteria provided, single submitter. Criteria: Ambry Variant Classification Scheme 2023. Collection method: clinical testing. Allele origin: germline.

Labcorp Genetics (formerly Invitae), Labcorp
Classification: Uncertain significance. Last evaluated: 2021-08-13. Review status: criteria provided, single submitter. Criteria: Invitae Variant Classification Sherloc (09022015). Collection method: clinical testing. Allele origin: germline.
Comment: This sequence change replaces arginine with serine at codon 346 of the RBP3 protein (p.Arg346Ser). The arginine residue is highly conserved and there is a moderate physicochemical difference between arginine and serine. This variant is not present in population databases (ExAC no frequency). This variant has not been reported in the literature in individuals affected with RBP3-related conditions. Algorithms developed to predict the effect of missense changes on protein structure and function are either unavailable or do not agree on the potential impact of this missense change (SIFT: "Deleterious"; PolyPhen-2: "Probably Damaging"; Align-GVGD: "Class C0"). In summary, the available evidence is currently insufficient to determine the role of this variant in disease. Therefore, it has been classified as a Variant of Uncertain Significance.

NM_002900.3(RBP3):c.1036C>A (p.Arg346Ser)

Gene: RBP3 (retinol binding protein 3; plus strand). Cytogenetic location: 10q11.22.
Variant type: single nucleotide variant.
Coding change: c.1036C>A on transcript NM_002900.3 (MANE Select); coding-DNA position 1036, C replaced by A.
Protein change: p.Arg346Ser; replaces arginine 346 with serine.
Molecular consequence: missense variant.
Genome position (GRCh38, 1-based): chr10:47,349,520, C>A. VCF-style: chr10-47349520-C-A. GRCh37 (hg19) VCF-style: chr10-48389842-G-T.
Other names: c.1036C>A (NM_002900.2); short protein forms R346S.
Identifiers: ClinVar variation 1347341 (VCV001347341.6), dbSNP rs781791441, ClinGen allele CA376667680.